The following is an entry in ClinVar:

NM_000038.6(APC):c.1612G>A (p.Glu538Lys)

Gene: APC (APC regulator of Wnt signaling pathway; plus strand). Cytogenetic location: 5q22.2.
Variant type: single nucleotide variant.
Coding change: c.1612G>A on transcript NM_000038.6 (MANE Select); coding-DNA position 1612, G replaced by A.
Protein change: p.Glu538Lys; replaces glutamic acid 538 with lysine.
Molecular consequence: missense variant.
Genome position (GRCh38, 1-based): chr5:112,827,992, G>A. VCF-style: chr5-112827992-G-A. GRCh37 (hg19) VCF-style: chr5-112163689-G-A.
Other names: c.1612G>A, p.Glu538Lys (NM_001127510.3, NM_001354895.2, NM_001407450.1); c.1558G>A, p.Glu520Lys (NM_001127511.3); c.1666G>A, p.Glu556Lys (NM_001354896.2, NM_001407447.1, NM_001407448.1 and 1 more transcripts); c.1642G>A, p.Glu548Lys (NM_001354897.2); c.1537G>A, p.Glu513Lys (NM_001354898.2); c.1528G>A, p.Glu510Lys (NM_001354899.2); c.1489G>A, p.Glu497Lys (NM_001354900.2); c.1435G>A, p.Glu479Lys (NM_001354901.2, NM_001407453.1); and 11 more; short protein forms E154K, E437K, E447K, E513K, E531K, E378K, E497K, E510K.
Identifiers: ClinVar variation 2696642 (VCV002696642.3), dbSNP rs2149813944, ClinGen allele CA16024824.

ClinVar aggregate classification (germline): Uncertain significance (1 of 4 stars; one submission).

Conditions:
Familial adenomatous polyposis 1 (FAP1). Also called: FAMILIAL ADENOMATOUS POLYPOSIS 1, ATTENUATED; POLYPOSIS, ADENOMATOUS INTESTINAL. Identifiers: MedGen C2713442, MONDO:0021056, OMIM 175100. Disease mechanism: loss of function.

Submission:

Labcorp Genetics (formerly Invitae), Labcorp
Classification: Uncertain significance for Familial adenomatous polyposis 1. Last evaluated: 2023-11-17. Review status: criteria provided, single submitter. Criteria: Invitae Variant Classification Sherloc (09022015). Collection method: clinical testing. Allele origin: germline.
Comment: This sequence change replaces glutamic acid, which is acidic and polar, with lysine, which is basic and polar, at codon 538 of the APC protein (p.Glu538Lys). This variant is not present in population databases (gnomAD no frequency). This variant has not been reported in the literature in individuals affected with APC-related conditions. Advanced modeling of protein sequence and biophysical properties (such as structural, functional, and spatial information, amino acid conservation, physicochemical variation, residue mobility, and thermodynamic stability) performed at Invitae indicates that this missense variant is not expected to disrupt APC protein function with a negative predictive value of 95%. In summary, the available evidence is currently insufficient to determine the role of this variant in disease. Therefore, it has been classified as a Variant of Uncertain Significance.